The following is an entry in ClinVar:

ClinVar aggregate classification (germline): Uncertain significance (1 of 4 stars; one submission).

Conditions:
Nemaline myopathy 2 (NEM2). Also called: Nemaline myopathy 2, autosomal recessive. Identifiers: MedGen C1850569, MONDO:0009725, OMIM 256030.

Allele frequency attached by ClinVar (database versions not stated): gnomAD exomes below 0.00001; TOPMed below 0.00001; gnomAD 0.00001.
gnomAD v4.1: 2 of 1,613,684 alleles (0.00012%); highest among the groups gnomAD compares: African/African-American, 0.0013%; no homozygotes.

Submission:

Labcorp Genetics (formerly Invitae), Labcorp
Classification: Uncertain significance for Nemaline myopathy 2. Last evaluated: 2021-09-16. Review status: criteria provided, single submitter. Criteria: Invitae Variant Classification Sherloc (09022015). Collection method: clinical testing. Allele origin: germline.
Comment: This sequence change replaces lysine with arginine at codon 6703 of the NEB protein (p.Lys6703Arg). The lysine residue is weakly conserved and there is a small physicochemical difference between lysine and arginine. This variant is not present in population databases (ExAC no frequency). This variant has not been reported in the literature in individuals affected with NEB-related conditions. Algorithms developed to predict the effect of missense changes on protein structure and function are either unavailable or do not agree on the potential impact of this missense change (SIFT: "Tolerated"; PolyPhen-2: "Not Available"; Align-GVGD: "Class C0"). Algorithms developed to predict the effect of sequence changes on RNA splicing suggest that this variant may create or strengthen a splice site. In summary, the available evidence is currently insufficient to determine the role of this variant in disease. Therefore, it has been classified as a Variant of Uncertain Significance.

NM_001164508.2(NEB):c.20108A>G (p.Lys6703Arg)

Gene: NEB (nebulin; minus strand). Cytogenetic location: 2q23.3.
Variant type: single nucleotide variant.
Coding change: c.20108A>G on transcript NM_001164508.2 (MANE Select); coding-DNA position 20108, A replaced by G.
Protein change: p.Lys6703Arg; replaces lysine 6703 with arginine.
Molecular consequence: missense variant.
Genome position (GRCh38, 1-based): chr2:151,548,357, T>C on the plus strand (A>G on the coding strand, the complement: NEB is on the minus strand). VCF-style: chr2-151548357-T-C. GRCh37 (hg19) VCF-style: chr2-152404871-T-C.
Other names: c.20108A>G, p.Lys6703Arg (NM_001271208.2, NM_001164507.2); c.15005A>G, p.Lys5002Arg (NM_004543.5); short protein forms K5002R, K6703R.
Identifiers: ClinVar variation 1935588 (VCV001935588.2), dbSNP rs1181844106, ClinGen allele CA348784342.